The following is an entry in ClinVar:

ClinVar aggregate classification (germline): Likely benign. Review status: criteria provided, single submitter (1 of 4 stars). 3 submissions from 3 submitters: Likely benign (1). 2 of the submissions do not count toward it. Last evaluated 2026-01-20.

Conditions:
ACSF3-related disorder. Also called: ACSF3-related condition.
Combined malonic and methylmalonic acidemia. Identifiers: Orphanet 289504, MedGen C3280314, MONDO:0013661, OMIM 614265.

Allele frequency attached by ClinVar (database versions not stated): ESP Exome Variant Server 0.00008; gnomAD 0.00019 and 0.00025; gnomAD exomes 0.00020 and 0.00047; ExAC 0.00043; TOPMed 0.00049; 1000 Genomes Project 30x 0.00094; 1000 Genomes Project 0.00120.
gnomAD v4.1: 334 of 1,614,184 alleles (0.021%); highest among the groups gnomAD compares: East Asian, 0.63%; 6 homozygotes.

Submissions (3):

Labcorp Genetics (formerly Invitae), Labcorp
Classification: Likely benign for Combined malonic and methylmalonic acidemia. Last evaluated: 2026-01-20. Review status: criteria provided, single submitter. Criteria: Invitae Variant Classification Sherloc (09022015). Collection method: clinical testing. Allele origin: germline.

PreventionGenetics, part of Exact Sciences
Classification: Likely benign for ACSF3-related condition. Last evaluated: 2024-06-11. Review status: no assertion criteria provided. Collection method: clinical testing. Allele origin: germline. Not counted in ClinVar's aggregate classification.
Comment: This variant is classified as likely benign based on ACMG/AMP sequence variant interpretation guidelines (Richards et al. 2015 PMID: 25741868, with internal and published modifications).

Natera, Inc.
Classification: Benign for Combined malonic and methylmalonic aciduria. Last evaluated: 2020-01-09. Review status: no assertion criteria provided. Collection method: clinical testing. Allele origin: germline. Not counted in ClinVar's aggregate classification.

NM_001243279.3(ACSF3):c.1456G>A (p.Ala486Thr)

Gene: ACSF3 (acyl-CoA synthetase family member 3; plus strand). Cytogenetic location: 16q24.3.
Variant type: single nucleotide variant.
Coding change: c.1456G>A on transcript NM_001243279.3 (MANE Select); coding-DNA position 1456, G replaced by A.
Protein change: p.Ala486Thr; replaces alanine 486 with threonine.
Molecular consequence: missense variant. On other transcripts: non-coding transcript variant (4).
Genome position (GRCh38, 1-based): chr16:89,145,356, G>A. VCF-style: chr16-89145356-G-A. GRCh37 (hg19) VCF-style: chr16-89211764-G-A.
Other names: c.1456G>A, p.Ala486Thr (NM_001127214.4, NM_174917.5); c.661G>A, p.Ala221Thr (NM_001284316.2); short protein forms A486T, A221T.
Identifiers: ClinVar variation 717381 (VCV000717381.14), dbSNP rs192339782, ClinGen allele CA8238224.